The following is an entry in ClinVar:

ClinVar aggregate classification (germline): Benign/Likely benign. Review status: criteria provided, multiple submitters, no conflicts (2 of 4 stars). 10 submissions from 10 submitters: Benign (3); Likely benign (7). Last evaluated 2026-06-01.

Conditions:
Fanconi anemia (FA). Also called: Fanconi's anemia. Identifiers: Orphanet 84, MedGen C0015625, MeSH D005199, MONDO:0019391.
Inborn genetic diseases. Identifiers: MedGen C0950123, MeSH D030342.
Fanconi anemia complementation group A (FANCA). Also called: FANCA-Related Fanconi Anemia; Fanconi anemia, group A. Identifiers: Orphanet 84, MedGen C3469521, MONDO:0009215, OMIM 227650.

Allele frequency attached by ClinVar (database versions not stated): 1000 Genomes Project 30x 0.00016; 1000 Genomes Project 0.00020; ESP Exome Variant Server 0.00054; gnomAD exomes 0.00068 and 0.00112; gnomAD 0.00072 and 0.00074; TOPMed 0.00074; ExAC 0.00104.
gnomAD v4.1: 1,174 of 1,613,620 alleles (0.073%); highest among the groups gnomAD compares: Middle Eastern, 0.41%; 5 homozygotes.

Submissions (10):

CeGaT Center for Human Genetics Tuebingen
Classification: Likely benign. Last evaluated: 2026-06-01. Review status: criteria provided, single submitter. Criteria: CeGaT Center For Human Genetics Tuebingen Variant Classification Criteria Version 2. Collection method: clinical testing. Allele origin: germline. Affected: yes. Observed: 10 variant alleles.
Comment: FANCA: BP4, BP7

Labcorp Genetics (formerly Invitae), Labcorp
Classification: Benign for Fanconi anemia. Last evaluated: 2026-01-28. Review status: criteria provided, single submitter. Criteria: Invitae Variant Classification Sherloc (09022015). Collection method: clinical testing. Allele origin: germline.

Mayo Clinic Laboratories, Mayo Clinic
Classification: Likely benign. Last evaluated: 2025-09-17. Review status: criteria provided, single submitter. Criteria: ACMG Guidelines, 2015. Collection method: clinical testing. Allele origin: germline. Observed: 8 variant alleles.
Comment: BS1, BP7

Quest Diagnostics Nichols Institute San Juan Capistrano
Classification: Benign. Last evaluated: 2025-04-21. Review status: criteria provided, single submitter. Criteria: Quest Diagnostics criteria. Collection method: clinical testing. Allele origin: unknown.

Blueprint Genetics
Classification: Likely benign. Last evaluated: 2024-11-26. Review status: criteria provided, single submitter. Criteria: ACMG Guidelines, 2015. Collection method: clinical testing. Allele origin: germline.

Ambry Genetics
Classification: Likely benign for Inborn genetic diseases. Last evaluated: 2024-10-04. Review status: criteria provided, single submitter. Criteria: Ambry Variant Classification Scheme 2023. Collection method: clinical testing. Allele origin: germline.

Genetic Services Laboratory, University of Chicago
Classification: Likely benign. Last evaluated: 2020-04-23. Review status: criteria provided, single submitter. Criteria: ACMG Guidelines, 2015. Collection method: clinical testing. Allele origin: germline. Affected: no.

Illumina Laboratory Services, Illumina
Classification: Benign for Fanconi anemia complementation group A. Last evaluated: 2017-05-30. Review status: criteria provided, single submitter. Criteria: ICSL Variant Classification Criteria 13 December 2019. Collection method: clinical testing. Allele origin: germline.
Comment: This variant was observed as part of a predisposition screen in an ostensibly healthy population. A literature search was performed for the gene, cDNA change, and amino acid change (where applicable). No publications were found based on this search. Allele frequency data from public databases was too high to be consistent with this variant causing disease. Therefore, this variant is classified as benign.

Breakthrough Genomics
Classification: Likely benign. Review status: criteria provided, single submitter. Criteria: ACMG Guidelines, 2015. Collection method: not provided. Allele origin: germline. Inheritance: Autosomal recessive inheritance. Affected: yes.

PreventionGenetics, part of Exact Sciences
Classification: Likely benign. Review status: criteria provided, single submitter. Criteria: ACMG Guidelines, 2015. Collection method: clinical testing. Allele origin: germline.

Literature cited by the submitters: PubMed 32235514 (cited by Quest Diagnostics Nichols Institute San Juan Capistrano).

NM_000135.4(FANCA):c.4332T>G (p.Pro1444=)

Genes: FANCA (FA complementation group A; minus strand), ZNF276 (zinc finger protein 276; plus strand). Cytogenetic location: 16q24.3.
Variant type: single nucleotide variant.
Coding change: c.4332T>G on transcript NM_000135.4 (MANE Select); coding-DNA position 4332, T replaced by G.
Protein change: p.Pro1444=; no amino-acid change (proline 1444 retained).
Molecular consequence: synonymous variant. On other transcripts: 3 prime UTR variant (3), non-coding transcript variant (4).
Genome position (GRCh38, 1-based): chr16:89,738,637, A>C on the plus strand (T>G on the coding strand, the complement: FANCA is on the minus strand). VCF-style: chr16-89738637-A-C. GRCh37 (hg19) VCF-style: chr16-89805045-A-C.
Other names: p.Pro1444=; c.*61T>G (NM_001286167.3); c.*391A>C (NM_001113525.2, NM_152287.4).
Identifiers: ClinVar variation 255268 (VCV000255268.44), dbSNP rs149531696, ClinGen allele CA8250570.